The following is an entry in ClinVar:

NM_004168.4(SDHA):c.510G>C (p.Gln170His)

Gene: SDHA (succinate dehydrogenase complex flavoprotein subunit A; plus strand). Cytogenetic location: 5p15.33.
Variant type: single nucleotide variant.
Coding change: c.510G>C on transcript NM_004168.4 (MANE Select); coding-DNA position 510, G replaced by C.
Protein change: p.Gln170His; replaces glutamine 170 with histidine.
Molecular consequence: missense variant.
Genome position (GRCh38, 1-based): chr5:225,936, G>C. VCF-style: chr5-225936-G-C. GRCh37 (hg19) VCF-style: chr5-226051-G-C.
Other names: c.366G>C, p.Gln122His (NM_001294332.2); c.510G>C, p.Gln170His (NM_001330758.2); c.510G>C (NM_004168.2); short protein forms Q122H, Q170H.
Identifiers: ClinVar variation 663058 (VCV000663058.13), dbSNP rs1579385651, ClinGen allele CA359010109.

ClinVar aggregate classification (germline): Uncertain significance. Review status: criteria provided, multiple submitters, no conflicts (2 of 4 stars). 3 submissions from 3 submitters: Uncertain significance (3). Last evaluated 2026-06-05.

Conditions:
Pheochromocytoma/paraganglioma syndrome 5. Also called: Paragangliomas 5; SDHA-Related Hereditary Paraganglioma-Pheochromocytoma Syndrome. Identifiers: Orphanet 29072, MedGen C3279992, MONDO:0013602, OMIM 614165.
Mitochondrial complex II deficiency, nuclear type 1. Also called: SUCCINATE CoQ REDUCTASE DEFICIENCY. Identifiers: Orphanet 3208, MedGen C5700310, MONDO:0100294, OMIM 252011.
Hereditary cancer-predisposing syndrome. Also called: Tumor predisposition; Neoplastic Syndromes, Hereditary; Hereditary Cancer Syndrome; Hereditary neoplastic syndrome. Identifiers: Orphanet 140162, MedGen C0027672, MeSH D009386, MONDO:0015356.

Submissions (3):

Ambry Genetics
Classification: Uncertain significance for Hereditary cancer-predisposing syndrome. Last evaluated: 2026-06-05. Review status: criteria provided, single submitter. Criteria: Ambry Variant Classification Scheme 2023. Collection method: clinical testing. Allele origin: germline.
Comment: The p.Q170H variant (also known as c.510G>C), located in coding exon 5 of the SDHA gene, results from a G to C substitution at nucleotide position 510. The glutamine at codon 170 is replaced by histidine, an amino acid with highly similar properties. This amino acid position is highly conserved in available vertebrate species. In addition, this alteration is predicted to be deleterious by in silico analysis. Based on the available evidence, the clinical significance of this variant remains unclear.

Labcorp Genetics (formerly Invitae), Labcorp
Classification: Uncertain significance for Pheochromocytoma/paraganglioma syndrome 5; Mitochondrial complex II deficiency, nuclear type 1. Last evaluated: 2022-11-11. Review status: criteria provided, single submitter. Criteria: Invitae Variant Classification Sherloc (09022015). Collection method: clinical testing. Allele origin: germline.
Comment: This sequence change replaces glutamine, which is neutral and polar, with histidine, which is basic and polar, at codon 170 of the SDHA protein (p.Gln170His). This variant is not present in population databases (gnomAD no frequency). This variant has not been reported in the literature in individuals affected with SDHA-related conditions. ClinVar contains an entry for this variant (Variation ID: 663058). Advanced modeling of protein sequence and biophysical properties (such as structural, functional, and spatial information, amino acid conservation, physicochemical variation, residue mobility, and thermodynamic stability) has been performed at Invitae for this missense variant, however the output from this modeling did not meet the statistical confidence thresholds required to predict the impact of this variant on SDHA protein function. In summary, the available evidence is currently insufficient to determine the role of this variant in disease. Therefore, it has been classified as a Variant of Uncertain Significance.

Sema4
Classification: Uncertain significance for Hereditary cancer-predisposing syndrome. Last evaluated: 2022-02-16. Review status: criteria provided, single submitter. Criteria: Sema4 Curation Guidelines. Collection method: curation. Allele origin: germline.
Comment: The SDHA c.510G>C (p.Q170H) variant has not been reported in the literature to our knowledge. This variant is not reported in the population database Genome Aggregation Database (PMID: 32461654). The variant has been reported in ClinVar (Variation ID: 663058). In silico tools suggest the impact of the variant on protein function is deleterious, though these predictions have not been confirmed by functional studies. The evidence is insufficient to meet ACMG/AMP criteria for classifying the variant as benign or pathogenic. Thus, the clinical significance of this variant is currently uncertain.